The following is an entry in ClinVar:

NM_001009944.3(PKD1):c.6792A>C (p.Ser2264=)

Gene: PKD1 (polycystin 1, transient receptor potential channel interacting; minus strand). Cytogenetic location: 16p13.3.
Variant type: single nucleotide variant.
Coding change: c.6792A>C on transcript NM_001009944.3 (MANE Select); coding-DNA position 6792, A replaced by C.
Protein change: p.Ser2264=; no amino-acid change (serine 2264 retained).
Molecular consequence: synonymous variant.
Genome position (GRCh38, 1-based): chr16:2,108,375, T>G on the plus strand (A>C on the coding strand, the complement: PKD1 is on the minus strand). VCF-style: chr16-2108375-T-G. GRCh37 (hg19) VCF-style: chr16-2158376-T-G.
Other names: c.6792A>C, p.Ser2264= (NM_000296.4); c.6792A>C (NM_001009944.2).
Identifiers: ClinVar variation 618798 (VCV000618798.20), dbSNP rs142928249, ClinGen allele CA7831458.

ClinVar aggregate classification (germline): Likely benign. Review status: criteria provided, multiple submitters, no conflicts (2 of 4 stars). 5 submissions from 5 submitters: Likely benign (4). 1 of the submissions does not count toward it. Last evaluated 2025-03-01.

Conditions:
Polycystic kidney disease, adult type (PKD1). Also called: POLYCYSTIC KIDNEY DISEASE 1 WITH OR WITHOUT POLYCYSTIC LIVER DISEASE; Polycystic Kidney Disease 1, Autosomal Dominant; Polycystic kidney disease 1; Polycystic kidney disease 1, severe; POLYCYSTIC KIDNEY DISEASE, ADULT, TYPE I; Polycystic Kidney, Autosomal Dominant. Identifiers: MedGen C3149841, MONDO:0008263, OMIM 173900.
PKD1-related disorder. Also called: PKD1-related condition.

Allele frequency attached by ClinVar (database versions not stated): TOPMed 0.00006.
gnomAD v4.1: 199 of 1,610,432 alleles (0.012%); highest among the groups gnomAD compares: Middle Eastern, 0.045%; no homozygotes.

Submissions (5):

CeGaT Center for Human Genetics Tuebingen
Classification: Likely benign. Last evaluated: 2025-03-01. Review status: criteria provided, single submitter. Criteria: CeGaT Center For Human Genetics Tuebingen Variant Classification Criteria Version 2. Collection method: clinical testing. Allele origin: germline. Affected: yes. Observed: 1 variant allele.
Comment: PKD1: BP4, BP7

Blueprint Genetics
Classification: Likely benign. Last evaluated: 2024-08-15. Review status: criteria provided, single submitter. Criteria: ACMG Guidelines, 2015. Collection method: clinical testing. Allele origin: germline.

Department of Pathology and Laboratory Medicine, Sinai Health System
Classification: Likely benign for Polycystic kidney disease, adult type. Last evaluated: 2023-10-03. Review status: criteria provided, single submitter. Criteria: ACMG Guidelines, 2015. Collection method: clinical testing. Allele origin: germline. Affected: yes.

ARUP Laboratories, Molecular Genetics and Genomics, ARUP Laboratories
Classification: Likely benign for Polycystic kidney disease, adult type. Last evaluated: 2020-04-04. Review status: criteria provided, single submitter. Criteria: ARUP Molecular Germline Variant Investigation Process. Collection method: clinical testing. Allele origin: germline.

PreventionGenetics, part of Exact Sciences
Classification: Likely benign for PKD1-related condition. Last evaluated: 2022-10-30. Review status: no assertion criteria provided. Collection method: clinical testing. Allele origin: germline. Not counted in ClinVar's aggregate classification.
Comment: This variant is classified as likely benign based on ACMG/AMP sequence variant interpretation guidelines (Richards et al. 2015 PMID: 25741868, with internal and published modifications).